The following is an entry in ClinVar:

NM_001042492.3(NF1):c.2446C>G (p.Arg816Gly)

Gene: NF1 (neurofibromin 1; plus strand). Cytogenetic location: 17q11.2.
Variant type: single nucleotide variant.
Coding change: c.2446C>G on transcript NM_001042492.3 (MANE Select); coding-DNA position 2446, C replaced by G.
Protein change: p.Arg816Gly; replaces arginine 816 with glycine.
Molecular consequence: missense variant.
Genome position (GRCh38, 1-based): chr17:31,229,061, C>G. VCF-style: chr17-31229061-C-G. GRCh37 (hg19) VCF-style: chr17-29556079-C-G.
Other names: c.2446C>G, p.Arg816Gly (NM_000267.4); short protein forms R816G.
Identifiers: ClinVar variation 2003505 (VCV002003505.6), dbSNP rs886041347, ClinGen allele CA398983910.

ClinVar aggregate classification (germline): Uncertain significance. Review status: criteria provided, multiple submitters, no conflicts (2 of 4 stars). 3 submissions from 3 submitters: Uncertain significance (3). Last evaluated 2026-04-16.

Conditions:
Neurofibromatosis, type 1 (NF1). Also called: Neurofibromatosis, type I; NEUROFIBROMATOSIS, TYPE I, SOMATIC; VON RECKLINGHAUSEN DISEASE; Peripheral type neurofibromatosis. Identifiers: Orphanet 636, MedGen C0027831, MONDO:0018975, OMIM 162200. Disease mechanism: loss of function.
Hereditary cancer-predisposing syndrome. Also called: Hereditary Cancer Syndrome; Hereditary neoplastic syndrome; Neoplastic Syndromes, Hereditary; Tumor predisposition. Identifiers: Orphanet 140162, MedGen C0027672, MeSH D009386, MONDO:0015356.
Cardiovascular phenotype. Identifiers: MedGen CN230736.

Submissions (3):

Helix
Classification: Uncertain significance for Neurofibromatosis, type 1. Last evaluated: 2026-04-16. Review status: criteria provided, single submitter. Criteria: ACMG Guidelines, 2015. Collection method: clinical testing. Allele origin: germline. Inheritance: Autosomal dominant inheritance.
Comment: This variant (NM_001042492.3:c.2446C>G p.Arg816Gly) results in the substitution of arginine with glycine at codon 816 in the NF1 protein. It is a rare variant that is absent from the large gnomAD population database (PMID: 32461654). To our knowledge, this variant has not been reported in individuals with NF1-related conditions in the published literature. In silico prediction from REVEL (PMID: 27666373) suggests that this variant may be benign. This variant is present in ClinVar (Accession: VCV002003505.5). In conclusion, since the available evidence is limited, the clinical significance of this variant is unclear at this time. Therefore, it is classified as a Variant of Uncertain Significance.

Ambry Genetics
Classification: Uncertain significance for Cardiovascular phenotype; Hereditary cancer-predisposing syndrome. Last evaluated: 2023-10-25. Review status: criteria provided, single submitter. Criteria: Ambry Variant Classification Scheme 2023. Collection method: clinical testing. Allele origin: germline.
Comment: The p.R816G variant (also known as c.2446C>G), located in coding exon 21 of the NF1 gene, results from a C to G substitution at nucleotide position 2446. The arginine at codon 816 is replaced by glycine, an amino acid with dissimilar properties. This amino acid position is conserved. In addition, the in silico prediction for this alteration is inconclusive. Since supporting evidence is limited at this time, the clinical significance of this alteration remains unclear.

Labcorp Genetics (formerly Invitae), Labcorp
Classification: Uncertain significance for Neurofibromatosis, type 1. Last evaluated: 2022-06-08. Review status: criteria provided, single submitter. Criteria: Invitae Variant Classification Sherloc (09022015). Collection method: clinical testing. Allele origin: germline.
Comment: This sequence change replaces arginine, which is basic and polar, with glycine, which is neutral and non-polar, at codon 816 of the NF1 protein (p.Arg816Gly). This variant is not present in population databases (gnomAD no frequency). In summary, the available evidence is currently insufficient to determine the role of this variant in disease. Therefore, it has been classified as a Variant of Uncertain Significance. This variant has not been reported in the literature in individuals affected with NF1-related conditions. Algorithms developed to predict the effect of missense changes on protein structure and function are either unavailable or do not agree on the potential impact of this missense change (SIFT: "Deleterious"; PolyPhen-2: "Benign"; Align-GVGD: "Class C0").